The following is an entry in ClinVar:

NM_002582.4(PARN):c.218C>T (p.Thr73Ile)

Gene: PARN (poly(A)-specific ribonuclease; minus strand). Cytogenetic location: 16p13.12.
Variant type: single nucleotide variant.
Coding change: c.218C>T on transcript NM_002582.4 (MANE Select); coding-DNA position 218, C replaced by T.
Protein change: p.Thr73Ile; replaces threonine 73 with isoleucine.
Molecular consequence: missense variant. On other transcripts: intron variant (1).
Genome position (GRCh38, 1-based): chr16:14,627,296, G>A on the plus strand (C>T on the coding strand, the complement: PARN is on the minus strand). VCF-style: chr16-14627296-G-A. GRCh37 (hg19) VCF-style: chr16-14721153-G-A.
Other names: c.35C>T, p.Thr12Ile (NM_001134477.3); c.159-160C>T (NM_001242992.2); short protein forms T73I, T12I.
Identifiers: ClinVar variation 1396625 (VCV001396625.6), dbSNP rs2151823476, ClinGen allele CA394816329.

ClinVar aggregate classification (germline): Uncertain significance (1 of 4 stars; one submission).

Conditions:
Dyskeratosis congenita, autosomal recessive 6 (DKCB6). Identifiers: MedGen C4225356, MONDO:0014600, OMIM 616353.
Pulmonary fibrosis and/or bone marrow failure, Telomere-related, 4. Also called: PULMONARY FIBROSIS AND/OR BONE MARROW FAILURE SYNDROME, TELOMERE-RELATED, 4. Identifiers: Orphanet 2032, MedGen C4225347, MONDO:0014612, OMIM 616371.

Submission:

Labcorp Genetics (formerly Invitae), Labcorp
Classification: Uncertain significance for Dyskeratosis congenita, autosomal recessive 6; Pulmonary fibrosis and/or bone marrow failure, Telomere-related, 4. Last evaluated: 2024-02-13. Review status: criteria provided, single submitter. Criteria: Invitae Variant Classification Sherloc (09022015). Collection method: clinical testing. Allele origin: germline.
Comment: This sequence change replaces threonine, which is neutral and polar, with isoleucine, which is neutral and non-polar, at codon 73 of the PARN protein (p.Thr73Ile). This variant is not present in population databases (gnomAD no frequency). This variant has not been reported in the literature in individuals affected with PARN-related conditions. ClinVar contains an entry for this variant (Variation ID: 1396625). Advanced modeling of protein sequence and biophysical properties (such as structural, functional, and spatial information, amino acid conservation, physicochemical variation, residue mobility, and thermodynamic stability) performed at Invitae indicates that this missense variant is not expected to disrupt PARN protein function with a negative predictive value of 80%. In summary, the available evidence is currently insufficient to determine the role of this variant in disease. Therefore, it has been classified as a Variant of Uncertain Significance.